The following is an entry in ClinVar:

NM_007215.4(POLG2):c.1400A>T (p.His467Leu)

Genes: MILR1 (mast cell immunoglobulin like receptor 1; plus strand), POLG2 (DNA polymerase gamma 2, accessory subunit; minus strand). Cytogenetic location: 17q23.3.
Variant type: single nucleotide variant.
Coding change: c.1400A>T on transcript NM_007215.4 (MANE Select); coding-DNA position 1400, A replaced by T.
Protein change: p.His467Leu; replaces histidine 467 with leucine.
Molecular consequence: missense variant.
Genome position (GRCh38, 1-based): chr17:64,477,881, T>A on the plus strand (A>T on the coding strand, the complement: POLG2 is on the minus strand). VCF-style: chr17-64477881-T-A. GRCh37 (hg19) VCF-style: chr17-62473998-T-A.
Other names: short protein forms H467L.
Identifiers: ClinVar variation 3664399 (VCV003664399.2).

ClinVar aggregate classification (germline): Uncertain significance (1 of 4 stars; one submission).

Submission:

Labcorp Genetics (formerly Invitae), Labcorp
Classification: Uncertain significance. Last evaluated: 2024-10-08. Review status: criteria provided, single submitter. Criteria: Invitae Variant Classification Sherloc (09022015). Collection method: clinical testing. Allele origin: germline.
Comment: This sequence change replaces histidine, which is basic and polar, with leucine, which is neutral and non-polar, at codon 467 of the POLG2 protein (p.His467Leu). This variant is not present in population databases (gnomAD no frequency). This variant has not been reported in the literature in individuals affected with POLG2-related conditions. An algorithm developed to predict the effect of missense changes on protein structure and function (PolyPhen-2) suggests that this variant is likely to be disruptive. In summary, the available evidence is currently insufficient to determine the role of this variant in disease. Therefore, it has been classified as a Variant of Uncertain Significance.